The following is an entry in ClinVar:

ClinVar aggregate classification (germline): Benign/Likely benign. Review status: criteria provided, multiple submitters, no conflicts (2 of 4 stars). 2 submissions from 2 submitters: Benign (1); Likely benign (1). Last evaluated 2024-11-18.

Conditions:
Fleck corneal dystrophy (CFD). Also called: CORNEAL DYSTROPHY, FRANCOIS-NEETENS SPECKLED OR FLECKED. Identifiers: Orphanet 98970, MedGen C1562113, MONDO:0007376, OMIM 121850.

Allele frequency attached by ClinVar (database versions not stated): gnomAD 0.00001 and 0.00013; TOPMed 0.00003; gnomAD exomes 0.00029 and 0.00053; ExAC 0.00058; 1000 Genomes Project 0.00060; 1000 Genomes Project 30x 0.00062.
gnomAD v4.1: 439 of 1,612,306 alleles (0.027%); highest among the groups gnomAD compares: South Asian, 0.46%; 2 homozygotes.

Submissions (2):

Blueprint Genetics
Classification: Likely benign. Last evaluated: 2024-11-18. Review status: criteria provided, single submitter. Criteria: ACMG Guidelines, 2015. Collection method: clinical testing. Allele origin: germline.

Illumina Laboratory Services, Illumina
Classification: Benign for Fleck corneal dystrophy. Last evaluated: 2018-01-13. Review status: criteria provided, single submitter. Criteria: ICSL Variant Classification Criteria 13 December 2019. Collection method: clinical testing. Allele origin: germline.
Comment: This variant was observed in the ICSL laboratory as part of a predisposition screen in an ostensibly healthy population. It had not been previously curated by ICSL or reported in the Human Gene Mutation Database (HGMD: prior to June 1st, 2018), and was therefore a candidate for classification through an automated scoring system. Utilizing variant allele frequency, disease prevalence and penetrance estimates, and inheritance mode, an automated score was calculated to assess if this variant is too frequent to cause the disease. Based on the score and internal cut-off values, a variant classified as benign is not then subjected to further curation. The score for this variant resulted in a classification of benign for this disease.

NM_015040.4(PIKFYVE):c.2164A>G (p.Thr722Ala)

Gene: PIKFYVE (phosphoinositide kinase, FYVE-type zinc finger containing; plus strand). Cytogenetic location: 2q34.
Variant type: single nucleotide variant.
Coding change: c.2164A>G on transcript NM_015040.4 (MANE Select); coding-DNA position 2164, A replaced by G.
Protein change: p.Thr722Ala; replaces threonine 722 with alanine.
Molecular consequence: missense variant.
Genome position (GRCh38, 1-based): chr2:208,320,333, A>G. VCF-style: chr2-208320333-A-G. GRCh37 (hg19) VCF-style: chr2-209185057-A-G.
Other names: short protein forms T722A.
Identifiers: ClinVar variation 333899 (VCV000333899.6), dbSNP rs566701537, ClinGen allele CA2079755.